The following is an entry in ClinVar:

NM_000393.5(COL5A2):c.3039+15C>A

Gene: COL5A2 (collagen type V alpha 2 chain; minus strand). Cytogenetic location: 2q32.2.
Variant type: single nucleotide variant.
Coding change: c.3039+15C>A on transcript NM_000393.5 (MANE Select); 15 bases into the intron after coding-DNA position 3039, C replaced by A.
Molecular consequence: intron variant.
Genome position (GRCh38, 1-based): chr2:189,050,554, G>T on the plus strand (C>A on the coding strand, the complement: COL5A2 is on the minus strand). VCF-style: chr2-189050554-G-T. GRCh37 (hg19) VCF-style: chr2-189915280-G-T.
Identifiers: ClinVar variation 514128 (VCV000514128.1), dbSNP rs114619770, ClinGen allele CA658796131.

ClinVar aggregate classification (germline): Likely benign (1 of 4 stars; one submission).

gnomAD v4.1: 2 of 1,532,874 alleles (0.00013%); highest among the groups gnomAD compares: Non-Finnish European, 0.00018%; no homozygotes.

Submission:

GeneDx
Classification: Likely benign. Last evaluated: 2017-12-19. Review status: criteria provided, single submitter. Criteria: GeneDx Variant Classification (06012015). Collection method: clinical testing. Allele origin: germline. Affected: yes.
Comment: This variant is considered likely benign or benign based on one or more of the following criteria: it is a conservative change, it occurs at a poorly conserved position in the protein, it is predicted to be benign by multiple in silico algorithms, and/or has population frequency not consistent with disease.